The following is an entry in ClinVar:

ClinVar aggregate classification (germline): Uncertain significance (1 of 4 stars; one submission).

Allele frequency attached by ClinVar (database versions not stated): TOPMed below 0.00001; gnomAD exomes 0.00002; ExAC 0.00006.
gnomAD v4.1: 23 of 1,600,854 alleles (0.0014%); highest among the groups gnomAD compares: South Asian, 0.026%; no homozygotes.

Submission:

Labcorp Genetics (formerly Invitae), Labcorp
Classification: Uncertain significance. Last evaluated: 2022-04-28. Review status: criteria provided, single submitter. Criteria: Invitae Variant Classification Sherloc (09022015). Collection method: clinical testing. Allele origin: germline.
Comment: In summary, the available evidence is currently insufficient to determine the role of this variant in disease. Therefore, it has been classified as a Variant of Uncertain Significance. Algorithms developed to predict the effect of missense changes on protein structure and function output the following: SIFT: "Tolerated"; PolyPhen-2: "Benign"; Align-GVGD: "Class C0". The proline amino acid residue is found in multiple mammalian species, which suggests that this missense change does not adversely affect protein function. This variant has not been reported in the literature in individuals affected with C7-related conditions. This variant is present in population databases (rs776697282, gnomAD 0.01%). This sequence change replaces alanine, which is neutral and non-polar, with proline, which is neutral and non-polar, at codon 698 of the C7 protein (p.Ala698Pro).

NM_000587.4(C7):c.2092G>C (p.Ala698Pro)

Gene: C7 (complement C7; plus strand). Cytogenetic location: 5p13.1.
Variant type: single nucleotide variant.
Coding change: c.2092G>C on transcript NM_000587.4 (MANE Select); coding-DNA position 2092, G replaced by C.
Protein change: p.Ala698Pro; replaces alanine 698 with proline.
Molecular consequence: missense variant.
Genome position (GRCh38, 1-based): chr5:40,976,767, G>C. VCF-style: chr5-40976767-G-C. GRCh37 (hg19) VCF-style: chr5-40976869-G-C.
Other names: short protein forms A698P.
Identifiers: ClinVar variation 2042151 (VCV002042151.4), dbSNP rs776697282, ClinGen allele CA3250198.
Genomic context (GRCh38, chr5:40,976,767, plus strand): 5'-AGGCTTTTCTCCTAACGACCACATCTCCCTTATCCTTTTTTAGAAAATCCGTTAACACAG[G>C]CAGTGCCTAAATGTCAGCGCTGGGAGAAACTGCAGAATTCAAGATGTGTTTGTAAAATGC-3'
Protein context (NP_000578.2, residues 688-708): CVQKENPLTQ[Ala698Pro]VPKCQRWEKL